The following is an entry in ClinVar:

ClinVar aggregate classification (germline): Benign. Review status: criteria provided, single submitter (1 of 4 stars). 2 submissions from 2 submitters: Benign (1). 1 of the submissions does not count toward it. Last evaluated 2019-12-31.

Conditions:
CAPN10-related disorder. Also called: CAPN10-related disorders; CAPN10-related condition.

Allele frequency attached by ClinVar (database versions not stated): ExAC 0.00133; TOPMed 0.00049; gnomAD 0.00177 and 0.00165; 1000 Genomes Project 0.00020; ESP Exome Variant Server 0.00057; gnomAD exomes 0.00118 and 0.00156; 1000 Genomes Project 30x 0.00016.
gnomAD v4.1: 1,943 of 1,613,654 alleles (0.12%); highest among the groups gnomAD compares: Non-Finnish European, 0.094%; 4 homozygotes.

Submissions (2):

Labcorp Genetics (formerly Invitae), Labcorp
Classification: Benign. Last evaluated: 2019-12-31. Review status: criteria provided, single submitter. Criteria: Invitae Variant Classification Sherloc (09022015). Collection method: clinical testing. Allele origin: germline.

PreventionGenetics, part of Exact Sciences
Classification: Benign for CAPN10-related condition. Last evaluated: 2021-03-22. Review status: no assertion criteria provided. Collection method: clinical testing. Allele origin: germline. Not counted in ClinVar's aggregate classification.
Comment: This variant is classified as benign based on ACMG/AMP sequence variant interpretation guidelines (Richards et al. 2015 PMID: 25741868, with internal and published modifications).

NM_023083.4(CAPN10):c.1378G>A (p.Glu460Lys)

Gene: CAPN10 (calpain 10; plus strand). Cytogenetic location: 2q37.3.
Variant type: single nucleotide variant.
Coding change: c.1378G>A on transcript NM_023083.4 (MANE Select); coding-DNA position 1378, G replaced by A.
Protein change: p.Glu460Lys; replaces glutamic acid 460 with lysine.
Molecular consequence: missense variant. On other transcripts: intron variant (1).
Genome position (GRCh38, 1-based): chr2:240,596,418, G>A. VCF-style: chr2-240596418-G-A. GRCh37 (hg19) VCF-style: chr2-241535835-G-A.
Other names: c.1278+1114G>A (NM_023085.4); short protein forms E460K.
Identifiers: ClinVar variation 719951 (VCV000719951.6), dbSNP rs184439941, ClinGen allele CA2205843.